The following is an entry in ClinVar:

NM_020949.3(SLC7A14):c.1976C>T (p.Ala659Val)

Genes: SLC7A14 (solute carrier family 7 member 14; minus strand), SLC7A14-AS1 (SLC7A14 antisense RNA 1; plus strand). Cytogenetic location: 3q26.2.
Variant type: single nucleotide variant.
Coding change: c.1976C>T on transcript NM_020949.3 (MANE Select); coding-DNA position 1976, C replaced by T.
Protein change: p.Ala659Val; replaces alanine 659 with valine.
Molecular consequence: missense variant.
Genome position (GRCh38, 1-based): chr3:170,480,306, G>A on the plus strand (C>T on the coding strand, the complement: SLC7A14 is on the minus strand). VCF-style: chr3-170480306-G-A. GRCh37 (hg19) VCF-style: chr3-170198095-G-A.
Other names: short protein forms A659V.
Identifiers: ClinVar variation 864243 (VCV000864243.10), dbSNP rs200600060, ClinGen allele CA2701537.

ClinVar aggregate classification (germline): Uncertain significance. Review status: criteria provided, multiple submitters, no conflicts (2 of 4 stars). 4 submissions from 4 submitters: Uncertain significance (3). 1 of the submissions does not count toward it. Last evaluated 2025-11-18.

Conditions:
Retinitis pigmentosa 68 (RP68). Identifiers: Orphanet 791, MedGen C3810380, MONDO:0014323, OMIM 615725.
Retinal dystrophy. Also called: Inherited retinal dystrophy. Identifiers: Orphanet 71862, MedGen C0854723, MeSH D058499, MONDO:0019118, HP:0000556.

Allele frequency attached by ClinVar (database versions not stated): ESP Exome Variant Server 0.00015; gnomAD 0.00015 and 0.00019; ExAC 0.00018; gnomAD exomes 0.00018; TOPMed 0.00020.

Submissions (4):

Labcorp Genetics (formerly Invitae), Labcorp
Classification: Uncertain significance. Last evaluated: 2025-11-18. Review status: criteria provided, single submitter. Criteria: Invitae Variant Classification Sherloc (09022015). Collection method: clinical testing. Allele origin: germline.
Comment: This sequence change replaces alanine, which is neutral and non-polar, with valine, which is neutral and non-polar, at codon 659 of the SLC7A14 protein (p.Ala659Val). This variant is present in population databases (rs200600060, gnomAD 0.03%). This variant has not been reported in the literature in individuals affected with SLC7A14-related conditions. ClinVar contains an entry for this variant (Variation ID: 864243). An algorithm developed to predict the effect of missense changes on protein structure and function (PolyPhen-2) suggests that this variant is likely to be tolerated. In summary, the available evidence is currently insufficient to determine the role of this variant in disease. Therefore, it has been classified as a Variant of Uncertain Significance.

Revvity Omics, Revvity
Classification: Uncertain significance for Retinitis pigmentosa 68. Last evaluated: 2024-12-26. Review status: criteria provided, single submitter. Criteria: ACMG Guidelines, 2015. Collection method: clinical testing. Allele origin: germline.

Blueprint Genetics
Classification: Uncertain significance. Last evaluated: 2024-10-23. Review status: criteria provided, single submitter. Criteria: ACMG Guidelines, 2015. Collection method: clinical testing. Allele origin: germline.

Institute of Human Genetics, Univ. Regensburg, Univ. Regensburg
Classification: Uncertain significance for Retinal dystrophy. Last evaluated: 2023-01-01. Review status: no assertion criteria provided. Criteria: ACMG Guidelines, 2015. Collection method: clinical testing. Allele origin: germline. Affected: yes. Not counted in ClinVar's aggregate classification.